The following is an entry in ClinVar:

ClinVar aggregate classification (germline): Uncertain significance (1 of 4 stars; one submission).

Conditions:
Cardiovascular phenotype. Identifiers: MedGen CN230736.

Submission:

Ambry Genetics
Classification: Uncertain significance for Cardiovascular phenotype. Last evaluated: 2022-07-25. Review status: criteria provided, single submitter. Criteria: Ambry Variant Classification Scheme 2023. Collection method: clinical testing. Allele origin: germline.
Comment: The p.G523C variant (also known as c.1567G>T), located in coding exon 9 of the CYP27A1 gene, results from a G to T substitution at nucleotide position 1567. The glycine at codon 523 is replaced by cysteine, an amino acid with highly dissimilar properties. This amino acid position is conserved. In addition, this alteration is predicted to be tolerated by in silico analysis. Since supporting evidence is limited at this time, the clinical significance of this alteration remains unclear.

NM_000784.4(CYP27A1):c.1567G>T (p.Gly523Cys)

Gene: CYP27A1 (cytochrome P450 family 27 subfamily A member 1; plus strand). Cytogenetic location: 2q35.
Variant type: single nucleotide variant.
Coding change: c.1567G>T on transcript NM_000784.4 (MANE Select); coding-DNA position 1567, G replaced by T.
Protein change: p.Gly523Cys; replaces glycine 523 with cysteine.
Molecular consequence: missense variant.
Genome position (GRCh38, 1-based): chr2:218,815,001, G>T. VCF-style: chr2-218815001-G-T. GRCh37 (hg19) VCF-style: chr2-219679724-G-T.
Other names: short protein forms G523C.
Identifiers: ClinVar variation 1775405 (VCV001775405.2), dbSNP rs1943774607, ClinGen allele CA350596736.